The following is an entry in ClinVar:

ClinVar aggregate classification (germline): Uncertain significance (1 of 4 stars; one submission).

Conditions:
Glycogen storage disease, type II (IOPD). Also called: Pompe Disease; CARDIOMEGALIA GLYCOGENICA DIFFUSA; GLYCOGENOSIS, GENERALIZED, CARDIAC FORM; GSD II; POMPE DISEASE, INFANTILE-ONSET; GLYCOGEN STORAGE DISEASE II, INFANTILE-ONSET. Identifiers: Orphanet 365, MedGen C0017921, MONDO:0009290, OMIM 232300.

Submission:

Genomenon, Inc
Classification: Uncertain significance for Glycogen storage disease, type II. Last evaluated: 2026-07-01. Review status: criteria provided, single submitter. Criteria: Genomenon Sequence Variant Interpretation Standards - Updated. Collection method: curation. Allele origin: germline. Affected: yes.
Comment: GAA p.Met318Arg (c.953T>G) is a missense variant that changes the amino acid at codon 318 from Methionine to Arginine. This variant has been observed in at least one proband with a GAA-related disorder in the compound heterozygous and/or homozygous state (PMID:37539106). The presence of pathogenic/likely pathogenic missense variant(s) at the same amino acid position indicates that this residue is likely important for protein function. It is absent or not present at a significant frequency in gnomAD. In silico models predict that this variant is possibly or probably damaging. In conclusion, we classify GAA p.Met318Arg (c.953T>G) as a variant of uncertain significance.

Literature cited by the submitters: PubMed 37539106.

NM_000152.5(GAA):c.953T>G (p.Met318Arg)

Gene: GAA (alpha glucosidase; plus strand). Cytogenetic location: 17q25.3.
Variant type: single nucleotide variant.
Coding change: c.953T>G on transcript NM_000152.5 (MANE Select); coding-DNA position 953, T replaced by G.
Protein change: p.Met318Arg; replaces methionine 318 with arginine.
Molecular consequence: missense variant.
Genome position (GRCh38, 1-based): chr17:80,107,894, T>G. VCF-style: chr17-80107894-T-G. GRCh37 (hg19) VCF-style: chr17-78081693-T-G.
Other names: c.953T>G, p.Met318Arg (NM_001079803.3, NM_001079804.3, NM_001406741.1 and 1 more transcripts); short protein forms M318R.
Identifiers: ClinVar variation 4876603 (VCV004876603.1).
Genomic context (GRCh38, chr17:80,107,894, plus strand): 5'-ACCTGGCGCTGGAGGACGGCGGGTCGGCACACGGGGTGTTCCTGCTAAACAGCAATGCCA[T>G]GGGTAAGCTGCCCGCCGCCCAGCGCCCGGGCCGGGGTCTCCTCCGTGCTGCCTGCCCTGG-3'
Protein context (NP_000143.2, residues 308-328): HGVFLLNSNA[Met318Arg]DVVLQPSPAL